The following is an entry in ClinVar:

NM_020987.5(ANK3):c.3178G>A (p.Val1060Ile)

Gene: ANK3 (ankyrin 3; minus strand). Cytogenetic location: 10q21.2.
Variant type: single nucleotide variant.
Coding change: c.3178G>A on transcript NM_020987.5 (MANE Select); coding-DNA position 3178, G replaced by A.
Protein change: p.Val1060Ile; replaces valine 1060 with isoleucine.
Molecular consequence: missense variant.
Genome position (GRCh38, 1-based): chr10:60,106,055, C>T on the plus strand (G>A on the coding strand, the complement: ANK3 is on the minus strand). VCF-style: chr10-60106055-C-T. GRCh37 (hg19) VCF-style: chr10-61865813-C-T.
Other names: c.580G>A, p.Val194Ile (NM_001149.4); c.3160G>A, p.Val1054Ile (NM_001204403.2); c.3181G>A, p.Val1061Ile (NM_001204404.2); c.3178G>A, p.Val1060Ile (NM_001320874.2); short protein forms V1061I, V1054I, V1060I, V194I.
Identifiers: ClinVar variation 2094030 (VCV002094030.4), dbSNP rs762630305, ClinGen allele CA5512531.

ClinVar aggregate classification (germline): Uncertain significance (1 of 4 stars; one submission).

Allele frequency attached by ClinVar (database versions not stated): TOPMed below 0.00001; gnomAD 0.00001; ExAC 0.00007.
gnomAD v4.1: 61 of 1,600,874 alleles (0.0038%); highest among the groups gnomAD compares: Non-Finnish European, 0.0027%; no homozygotes.

Submission:

Labcorp Genetics (formerly Invitae), Labcorp
Classification: Uncertain significance. Last evaluated: 2023-05-23. Review status: criteria provided, single submitter. Criteria: Invitae Variant Classification Sherloc (09022015). Collection method: clinical testing. Allele origin: germline.
Comment: This sequence change replaces valine, which is neutral and non-polar, with isoleucine, which is neutral and non-polar, at codon 1060 of the ANK3 protein (p.Val1060Ile). This variant is present in population databases (rs762630305, gnomAD 0.03%). This variant has not been reported in the literature in individuals affected with ANK3-related conditions. ClinVar contains an entry for this variant (Variation ID: 2094030). Advanced modeling of protein sequence and biophysical properties (such as structural, functional, and spatial information, amino acid conservation, physicochemical variation, residue mobility, and thermodynamic stability) performed at Invitae indicates that this missense variant is not expected to disrupt ANK3 protein function. In summary, the available evidence is currently insufficient to determine the role of this variant in disease. Therefore, it has been classified as a Variant of Uncertain Significance.